The following is an entry in ClinVar:

ClinVar aggregate classification (germline): Conflicting classifications of pathogenicity. Review status: criteria provided, conflicting classifications (1 of 4 stars). 2 submissions from 2 submitters: Uncertain significance (1); Likely benign (1). Last evaluated 2024-10-28.

Conditions:
GATA2 deficiency with susceptibility to MDS/AML. Identifiers: MedGen CN300066, MONDO:0042982.
Deafness-lymphedema-leukemia syndrome. Also called: Emberger syndrome; Lymphedema, primary, with myelodysplasia. Identifiers: Orphanet 3226, MedGen C3279664, MONDO:0013540, OMIM 614038.
Monocytopenia with susceptibility to infections. Also called: GATA2 DEFICIENCY; IMMUNODEFICIENCY 21; MONOCYTOPENIA AND MYCOBACTERIAL INFECTION SYNDROME; MONOCYTOPENIA WITH SUSCEPTIBILITY TO MYCOBACTERIAL, FUNGAL, AND PAPILLOMAVIRUS INFECTIONS AND MYELODYSPLASIA; COMBINED IMMUNODEFICIENCY WITH SUSCEPTIBILITY TO MYCOBACTERIAL, VIRAL, AND FUNGAL INFECTIONS; Dendritic cell, monocyte, B lymphocyte, and natural killer lymphocyte deficiency. Identifiers: Orphanet 228423, MedGen C3280030, MONDO:0013607, OMIM 614172.

Submissions (2):

Labcorp Genetics (formerly Invitae), Labcorp
Classification: Likely benign for Monocytopenia with susceptibility to infections; Deafness-lymphedema-leukemia syndrome. Last evaluated: 2024-10-28. Review status: criteria provided, single submitter. Criteria: Invitae Variant Classification Sherloc (09022015). Collection method: clinical testing. Allele origin: germline.

Molecular Pathology Research Laboratory, SA Pathology
Classification: Uncertain significance for GATA2 deficiency with susceptibility to MDS/AML; Deafness-lymphedema-leukemia syndrome. Last evaluated: 2021-07-06. Review status: criteria provided, single submitter. Criteria: ACMG Guidelines, 2015. Collection method: curation. Allele origin: unknown. Inheritance: Autosomal dominant inheritance. Affected: yes. Observed: 1 variant allele.
Comment: PS4_Supporting, PM2

Literature cited by the submitters: PubMed 26702063 (cited by Molecular Pathology Research Laboratory, SA Pathology).

NM_032638.5(GATA2):c.1017+582G>T

Gene: GATA2 (GATA binding protein 2; minus strand). Cytogenetic location: 3q21.3.
Variant type: single nucleotide variant.
Coding change: c.1017+582G>T on transcript NM_032638.5 (MANE Select); 582 bases into the intron after coding-DNA position 1017, G replaced by T.
Molecular consequence: intron variant.
Genome position (GRCh38, 1-based): chr3:128,483,278, C>A on the plus strand (G>T on the coding strand, the complement: GATA2 is on the minus strand). VCF-style: chr3-128483278-C-A. GRCh37 (hg19) VCF-style: chr3-128202121-C-A.
Other names: c.1017+582G>T (NM_001145662.1, NM_001145661.2).
Identifiers: ClinVar variation 1184022 (VCV001184022.9), dbSNP rs1296477757, ClinGen allele CA898649023.